The following is an entry in ClinVar:

NM_007208.4(MRPL3):c.217T>A (p.Leu73Ile)

Gene: MRPL3 (mitochondrial ribosomal protein L3; minus strand). Cytogenetic location: 3q22.1.
Variant type: single nucleotide variant.
Coding change: c.217T>A on transcript NM_007208.4 (MANE Select); coding-DNA position 217, T replaced by A.
Protein change: p.Leu73Ile; replaces leucine 73 with isoleucine.
Molecular consequence: missense variant.
Genome position (GRCh38, 1-based): chr3:131,501,591, A>T on the plus strand (T>A on the coding strand, the complement: MRPL3 is on the minus strand). VCF-style: chr3-131501591-A-T. GRCh37 (hg19) VCF-style: chr3-131220435-A-T.
Other names: short protein forms L73I.
Identifiers: ClinVar variation 1707943 (VCV001707943.2), dbSNP rs2472547764, ClinGen allele CA354538890.

ClinVar aggregate classification (germline): Uncertain significance (1 of 4 stars; one submission).

Submission:

GeneDx
Classification: Uncertain significance. Last evaluated: 2022-03-31. Review status: criteria provided, single submitter. Criteria: GeneDx Variant Classification Process June 2021. Collection method: clinical testing. Allele origin: germline. Affected: yes.
Comment: Not observed at significant frequency in large population cohorts (gnomAD); In silico analysis supports that this missense variant does not alter protein structure/function; Has not been previously published as pathogenic or benign to our knowledge